The following is an entry in ClinVar:

NM_001271938.2(MEGF8):c.1599C>T (p.Ser533=)

Gene: MEGF8 (multiple EGF like domains 8; plus strand). Cytogenetic location: 19q13.2.
Variant type: single nucleotide variant.
Coding change: c.1599C>T on transcript NM_001271938.2 (MANE Select); coding-DNA position 1599, C replaced by T.
Protein change: p.Ser533=; no amino-acid change (serine 533 retained).
Molecular consequence: synonymous variant.
Genome position (GRCh38, 1-based): chr19:42,343,562, C>T. VCF-style: chr19-42343562-C-T. GRCh37 (hg19) VCF-style: chr19-42847714-C-T.
Other names: c.1599C>T, p.Ser533= (NM_001410.3).
Identifiers: ClinVar variation 4978750 (VCV004978750.1).

ClinVar aggregate classification (germline): Likely benign (1 of 4 stars; one submission).

Conditions:
MEGF8-related disorder. Also called: MEGF8-related condition.

gnomAD v4.1: 12 of 1,613,234 alleles (0.00074%); highest among the groups gnomAD compares: South Asian, 0.0011%; no homozygotes.

Submission:

PreventionGenetics, part of Exact Sciences
Classification: Likely benign for MEGF8-related condition. Last evaluated: 2026-02-06. Review status: criteria provided, single submitter. Criteria: ACMG Guidelines, 2015. Collection method: clinical testing. Allele origin: germline.
Comment: This variant is classified as likely benign based on ACMG/AMP sequence variant interpretation guidelines (Richards et al. 2015 PMID: 25741868, with internal and published modifications).